The following is an entry in ClinVar:

ClinVar aggregate classification (germline): Likely benign. Review status: criteria provided, multiple submitters, no conflicts (2 of 4 stars). 2 submissions from 2 submitters: Likely benign (2). Last evaluated 2023-11-01.

Conditions:
Vici syndrome (VICIS). Identifiers: Orphanet 1493, MedGen C1855772, MONDO:0009452, OMIM 242840.

Allele frequency attached by ClinVar (database versions not stated): ExAC 0.00001; gnomAD 0.00001; gnomAD exomes 0.00001.
gnomAD v4.1: 9 of 1,614,022 alleles (0.00056%); highest among the groups gnomAD compares: Non-Finnish European, 0.00076%; no homozygotes.

Submissions (2):

CeGaT Center for Human Genetics Tuebingen
Classification: Likely benign. Last evaluated: 2023-11-01. Review status: criteria provided, single submitter. Criteria: CeGaT Center For Human Genetics Tuebingen Variant Classification Criteria Version 2. Collection method: clinical testing. Allele origin: germline. Affected: yes. Observed: 1 variant allele.
Comment: EPG5: BP4, BP7

Labcorp Genetics (formerly Invitae), Labcorp
Classification: Likely benign for Vici syndrome. Last evaluated: 2023-08-01. Review status: criteria provided, single submitter. Criteria: Invitae Variant Classification Sherloc (09022015). Collection method: clinical testing. Allele origin: germline.

NM_020964.3(EPG5):c.4527C>T (p.Pro1509=)

Gene: EPG5 (ectopic P-granules 5 autophagy tethering factor; minus strand). Cytogenetic location: 18q21.1.
Variant type: single nucleotide variant.
Coding change: c.4527C>T on transcript NM_020964.3 (MANE Select); coding-DNA position 4527, C replaced by T.
Protein change: p.Pro1509=; no amino-acid change (proline 1509 retained).
Molecular consequence: synonymous variant.
Genome position (GRCh38, 1-based): chr18:45,901,115, G>A on the plus strand (C>T on the coding strand, the complement: EPG5 is on the minus strand). VCF-style: chr18-45901115-G-A. GRCh37 (hg19) VCF-style: chr18-43481080-G-A.
Other names: c.4527C>T, p.Pro1509= (NM_001410858.1, NM_001410859.1).
Identifiers: ClinVar variation 1909260 (VCV001909260.28), dbSNP rs765272578, ClinGen allele CA8948830.